The following is an entry in ClinVar:

ClinVar aggregate classification (germline): Conflicting classifications of pathogenicity. Review status: criteria provided, conflicting classifications (1 of 4 stars). 2 submissions from 1 submitter: Uncertain significance (1); Benign (1). Last evaluated 2018-01-12.

Conditions:
Hypothyroidism due to TSH receptor mutations. Also called: Hypothyroidism, congenital, nongoitrous, 1; HYPOTHYROIDISM DUE TO UNRESPONSIVENESS TO THYROTROPIN; HYPOTHYROIDISM, CONGENITAL, DUE TO TSH RESISTANCE; HYPOTHYROIDISM, NONAUTOIMMUNE; THYROID-STIMULATING HORMONE, RESISTANCE TO; TSH RESISTANCE. Identifiers: Orphanet 90673, MedGen C3493776, MONDO:0010142, OMIM 275200.
Familial hyperthyroidism due to mutations in TSH receptor. Also called: TOXIC THYROID HYPERPLASIA, AUTOSOMAL DOMINANT; HYPERTHYROIDISM, CONGENITAL NONAUTOIMMUNE; HYPERTHYROIDISM, NONAUTOIMMUNE, AUTOSOMAL DOMINANT. Identifiers: Orphanet 424, MedGen C1836706, MONDO:0012203, OMIM 609152.

Allele frequency attached by ClinVar (database versions not stated): gnomAD exomes 0.00024; gnomAD 0.00082 and 0.00090; TOPMed 0.00101; 1000 Genomes Project 30x 0.00156; 1000 Genomes Project 0.00160.

Submissions (3):

Illumina Laboratory Services, Illumina
Classification: Benign for Familial hyperthyroidism due to mutations in TSH receptor. Last evaluated: 2018-01-12. Review status: criteria provided, single submitter. Criteria: ICSL Variant Classification Criteria 13 December 2019. Collection method: clinical testing. Allele origin: germline.
Comment: This variant was observed in the ICSL laboratory as part of a predisposition screen in an ostensibly healthy population. It had not been previously curated by ICSL or reported in the Human Gene Mutation Database (HGMD: prior to June 1st, 2018), and was therefore a candidate for classification through an automated scoring system. Utilizing variant allele frequency, disease prevalence and penetrance estimates, and inheritance mode, an automated score was calculated to assess if this variant is too frequent to cause the disease. Based on the score and internal cut-off values, a variant classified as benign is not then subjected to further curation. The score for this variant resulted in a classification of benign for this disease.

Illumina Laboratory Services, Illumina
Classification: Uncertain significance for Hypothyroidism due to TSH receptor mutations. Last evaluated: 2018-01-12. Review status: criteria provided, single submitter. Criteria: ICSL Variant Classification Criteria 13 December 2019. Collection method: clinical testing. Allele origin: germline.

Dr. Peter K. Rogan Lab, Western University
No classification provided (evidence only). Condition: Acute myeloid leukemia. Review status: no classification provided. Collection method: in vitro. Allele origin: not applicable. Functional consequence: retained intron. Not counted in ClinVar's aggregate classification.

NM_000369.5(TSHR):c.*249A>C

Genes: TSHR (thyroid stimulating hormone receptor; plus strand), TSHR-AS1 (TSHR antisense RNA 1; minus strand). Cytogenetic location: 14q31.1.
Variant type: single nucleotide variant.
Coding change: c.*249A>C on transcript NM_000369.5 (MANE Select); 249 bases downstream of the stop codon, A replaced by C.
Molecular consequence: 3 prime UTR variant.
Genome position (GRCh38, 1-based): chr14:81,144,602, A>C. VCF-style: chr14-81144602-A-C. GRCh37 (hg19) VCF-style: chr14-81610946-A-C.
Other names: NC_000014.8:g.81610946A>C.
Identifiers: ClinVar variation 887504 (VCV000887504.5), dbSNP rs140533848, ClinGen allele CA263937101.